The following is an entry in ClinVar:

NM_001242896.3(DEPDC5):c.609A>G (p.Leu203=)

Gene: DEPDC5 (DEP domain containing 5, GATOR1 subcomplex subunit; plus strand). Cytogenetic location: 22q12.2.
Variant type: single nucleotide variant.
Coding change: c.609A>G on transcript NM_001242896.3 (MANE Select); coding-DNA position 609, A replaced by G.
Protein change: p.Leu203=; no amino-acid change (leucine 203 retained).
Molecular consequence: synonymous variant. On other transcripts: non-coding transcript variant (5).
Genome position (GRCh38, 1-based): chr22:31,784,860, A>G. VCF-style: chr22-31784860-A-G. GRCh37 (hg19) VCF-style: chr22-32180846-A-G.
Other names: c.609A>G, p.Leu203= (NM_001007188.4, NM_001136029.4, NM_001242897.2 and 7 more transcripts); c.525A>G, p.Leu175= (NM_001369901.1, NM_001369902.1).
Identifiers: ClinVar variation 1088712 (VCV001088712.37), dbSNP rs200639727, ClinGen allele CA10196040.

ClinVar aggregate classification (germline): Likely benign. Review status: criteria provided, multiple submitters, no conflicts (2 of 4 stars). 4 submissions from 4 submitters: Likely benign (4). Last evaluated 2025-09-27.

Conditions:
Familial focal epilepsy with variable foci (FPEVF). Identifiers: Orphanet 98820, MedGen C1858477, MONDO:0020310.

Allele frequency attached by ClinVar (database versions not stated): gnomAD 0.00007; gnomAD exomes 0.00008 and 0.00006; ExAC 0.00006.
gnomAD v4.1: 133 of 1,613,000 alleles (0.0082%); highest among the groups gnomAD compares: Non-Finnish European, 0.0099%; no homozygotes.

Submissions (4):

Labcorp Genetics (formerly Invitae), Labcorp
Classification: Likely benign for Familial focal epilepsy with variable foci. Last evaluated: 2025-09-27. Review status: criteria provided, single submitter. Criteria: Invitae Variant Classification Sherloc (09022015). Collection method: clinical testing. Allele origin: germline.

CeGaT Center for Human Genetics Tuebingen
Classification: Likely benign. Last evaluated: 2025-06-01. Review status: criteria provided, single submitter. Criteria: CeGaT Center For Human Genetics Tuebingen Variant Classification Criteria Version 2. Collection method: clinical testing. Allele origin: germline. Affected: yes. Observed: 4 variant alleles.
Comment: DEPDC5: BP4, BP7

Blueprint Genetics
Classification: Likely benign. Last evaluated: 2024-11-07. Review status: criteria provided, single submitter. Criteria: ACMG Guidelines, 2015. Collection method: clinical testing. Allele origin: germline.

GeneDx
Classification: Likely benign. Last evaluated: 2020-10-16. Review status: criteria provided, single submitter. Criteria: GeneDx Variant Classification Process June 2021. Collection method: clinical testing. Allele origin: germline. Affected: yes.